The following is an entry in ClinVar:

NM_022575.4(VPS16):c.143-19_199del

Gene: VPS16 (VPS16 core subunit of CORVET and HOPS complexes; plus strand). Cytogenetic location: 20p13.
Variant type: Deletion.
Coding change: c.143-19_199del on transcript NM_022575.4 (MANE Select); 19 bases into the intron before coding-DNA position 143 through coding-DNA position 199, 76 bases deleted.
Molecular consequence: splice acceptor variant.
Genome position (GRCh38, 1-based): chr20:2,860,035-2,860,110, 76 bases deleted. GRCh37 (hg19): chr20:2,840,681-2,840,756.
Other names: c.143-19_199del (NM_080413.3).
Identifiers: ClinVar variation 4282150 (VCV004282150.2).

ClinVar aggregate classification (germline): Uncertain significance (1 of 4 stars; one submission).

Submission:

GeneDx
Classification: Uncertain significance. Last evaluated: 2026-01-23. Review status: criteria provided, single submitter. Criteria: GeneDx Variant Classification Process June 2021. Collection method: clinical testing. Allele origin: germline.
Comment: Canonical splice site variant in a gene or region of a gene for which loss of function is not a well-established mechanism of disease; Not observed at significant frequency in large population cohorts (gnomAD); Has not been previously published as pathogenic or benign to our knowledge